The following is an entry in ClinVar:

ClinVar aggregate classification (germline): Benign (1 of 4 stars; one submission).

Conditions:
Telangiectasia, hereditary hemorrhagic, type 2 (HHT2). Also called: ACVRL1-Related Hereditary Hemorrhagic Telangiectasia; Telangiectasia, hereditary hemorrhagic, type II. Identifiers: Orphanet 774, MedGen C1838163, MONDO:0010880, OMIM 600376. Disease mechanism: loss of function.

Allele frequency attached by ClinVar (database versions not stated): gnomAD 0.01740; TOPMed 0.01743; 1000 Genomes Project 0.02117; 1000 Genomes Project 30x 0.02124.

Submission:

Illumina Laboratory Services, Illumina
Classification: Benign for Telangiectasia, hereditary hemorrhagic, type 2. Last evaluated: 2018-01-12. Review status: criteria provided, single submitter. Criteria: ICSL Variant Classification Criteria 13 December 2019. Collection method: clinical testing. Allele origin: germline.
Comment: This variant was observed in the ICSL laboratory as part of a predisposition screen in an ostensibly healthy population. It had not been previously curated by ICSL or reported in the Human Gene Mutation Database (HGMD: prior to June 1st, 2018), and was therefore a candidate for classification through an automated scoring system. Utilizing variant allele frequency, disease prevalence and penetrance estimates, and inheritance mode, an automated score was calculated to assess if this variant is too frequent to cause the disease. Based on the score and internal cut-off values, a variant classified as benign is not then subjected to further curation. The score for this variant resulted in a classification of benign for this disease.

NM_000020.3(ACVRL1):c.*1560A>C

Gene: ACVRL1 (activin A receptor like type 1; plus strand). Cytogenetic location: 12q13.13.
Variant type: single nucleotide variant.
Coding change: c.*1560A>C on transcript NM_000020.3 (MANE Select); 1560 bases downstream of the stop codon, A replaced by C.
Molecular consequence: 3 prime UTR variant.
Genome position (GRCh38, 1-based): chr12:51,922,453, A>C. VCF-style: chr12-51922453-A-C. GRCh37 (hg19) VCF-style: chr12-52316237-A-C.
Other names: c.*1560A>C (NM_001077401.2).
Identifiers: ClinVar variation 309470 (VCV000309470.5), dbSNP rs80260084, ClinGen allele CA10637924.